The following is an entry in ClinVar:

NM_001375567.1(FOCAD):c.3838A>G (p.Met1280Val)

Gene: FOCAD (focadhesin; plus strand). Cytogenetic location: 9p21.3.
Variant type: single nucleotide variant.
Coding change: c.3838A>G on transcript NM_001375567.1 (MANE Select); coding-DNA position 3838, A replaced by G.
Protein change: p.Met1280Val; replaces methionine 1280 with valine.
Molecular consequence: missense variant.
Genome position (GRCh38, 1-based): chr9:20,948,890, A>G. VCF-style: chr9-20948890-A-G. GRCh37 (hg19) VCF-style: chr9-20948889-A-G.
Other names: c.3733A>G, p.Met1245Val (NM_001375568.1, NM_001375570.1); c.3838A>G, p.Met1280Val (NM_017794.5); short protein forms M1280V, M1245V.
Identifiers: ClinVar variation 3715240 (VCV003715240.2).

ClinVar aggregate classification (germline): Uncertain significance (1 of 4 stars; one submission).

Submission:

Labcorp Genetics (formerly Invitae), Labcorp
Classification: Uncertain significance. Last evaluated: 2024-12-29. Review status: criteria provided, single submitter. Criteria: Invitae Variant Classification Sherloc (09022015). Collection method: clinical testing. Allele origin: germline.
Comment: This sequence change replaces methionine, which is neutral and non-polar, with valine, which is neutral and non-polar, at codon 1280 of the FOCAD protein (p.Met1280Val). This variant is present in population databases (rs760042366, gnomAD 0.07%), and has an allele count higher than expected for a pathogenic variant. This variant has not been reported in the literature in individuals affected with FOCAD-related conditions. Experimental studies and prediction algorithms are not available or were not evaluated, and the functional significance of this variant is currently unknown. In summary, the available evidence is currently insufficient to determine the role of this variant in disease. Therefore, it has been classified as a Variant of Uncertain Significance.